The following is an entry in ClinVar:

ClinVar aggregate classification (germline): Benign (1 of 4 stars; one submission).

Allele frequency attached by ClinVar (database versions not stated): 1000 Genomes Project 0.25080; 1000 Genomes Project 30x 0.25187; TOPMed 0.25993; gnomAD 0.26491 and 0.26765.
gnomAD v4.1: 40,626 of 152,012 alleles (27%); highest among the groups gnomAD compares: Non-Finnish European, 32%; 5,977 homozygotes.

Submission:

GeneDx
Classification: Benign. Last evaluated: 2018-06-14. Review status: criteria provided, single submitter. Criteria: GeneDx Variant Classification (06012015). Collection method: clinical testing. Allele origin: germline. Affected: yes.
Comment: This variant is considered likely benign or benign based on one or more of the following criteria: it is a conservative change, it occurs at a poorly conserved position in the protein, it is predicted to be benign by multiple in silico algorithms, and/or has population frequency not consistent with disease.

NM_017875.4(SLC25A38):c.792+171T>A

Gene: SLC25A38 (solute carrier family 25 member 38; plus strand). Cytogenetic location: 3p22.1.
Variant type: single nucleotide variant.
Coding change: c.792+171T>A on transcript NM_017875.4 (MANE Select); 171 bases into the intron after coding-DNA position 792, T replaced by A.
Molecular consequence: intron variant.
Genome position (GRCh38, 1-based): chr3:39,394,747, T>A. VCF-style: chr3-39394747-T-A. GRCh37 (hg19) VCF-style: chr3-39436238-T-A.
Other names: c.626-1651T>A (NM_001354798.2).
Identifiers: ClinVar variation 683974 (VCV000683974.1), dbSNP rs67035835, ClinGen allele CA15266602.